The following is an entry in ClinVar:

ClinVar aggregate classification (germline): Pathogenic/Likely pathogenic. Review status: criteria provided, multiple submitters, no conflicts (2 of 4 stars). 3 submissions from 3 submitters: Pathogenic (1); Likely pathogenic (2). Last evaluated 2025-09-24.

Conditions:
Cardiovascular phenotype. Identifiers: MedGen CN230736.
Hereditary cancer-predisposing syndrome. Also called: Neoplastic Syndromes, Hereditary; Tumor predisposition; Hereditary neoplastic syndrome; Hereditary Cancer Syndrome. Identifiers: Orphanet 140162, MedGen C0027672, MeSH D009386, MONDO:0015356.

Allele frequency attached by ClinVar (database versions not stated): gnomAD exomes below 0.00001; TOPMed below 0.00001.

Submissions (5):

Labcorp Genetics (formerly Invitae), Labcorp
Classification: Likely pathogenic. Last evaluated: 2025-09-24. Review status: criteria provided, single submitter. Criteria: Invitae Variant Classification Sherloc (09022015). Collection method: clinical testing. Allele origin: germline.
Comment: This sequence change affects an acceptor splice site in intron 7 of the LZTR1 gene. It is expected to disrupt RNA splicing. Variants that disrupt the donor or acceptor splice site typically lead to a loss of protein function (PMID: 16199547), and loss-of-function variants in LZTR1 are known to be pathogenic (PMID: 24362817, 25335493, 25480913, 25795793, 29469822, 30368668, 30442762, 30442766, 30481304, 30859559). This variant is present in population databases (no rsID available, gnomAD 0.004%). This variant has not been reported in the literature in individuals affected with LZTR1-related conditions. ClinVar contains an entry for this variant (Variation ID: 1754034). Algorithms developed to predict the effect of sequence changes on RNA splicing suggest that this variant may disrupt the consensus splice site. In summary, the currently available evidence indicates that the variant is pathogenic, but additional data are needed to prove that conclusively. Therefore, this variant has been classified as Likely Pathogenic.

GeneDx
Classification: Pathogenic. Last evaluated: 2024-06-06. Review status: criteria provided, single submitter. Criteria: GeneDx Variant Classification Process June 2021. Collection method: clinical testing. Allele origin: germline.
Comment: Canonical splice site variant predicted to result in a null allele in a gene for which loss of function is a known mechanism of disease; Not observed at significant frequency in large population cohorts (gnomAD); Has not been previously published as pathogenic or benign to our knowledge; This variant is associated with the following publications: (PMID: 16199547, 24362817, 25335493, 25480913, 25795793, 30442766, 30481304, 30859559, 29469822, 30442762)

Ambry Genetics
Classification: Likely pathogenic for Cardiovascular phenotype; Hereditary cancer-predisposing syndrome. Last evaluated: 2023-08-11. Review status: criteria provided, single submitter. Criteria: Ambry Variant Classification Scheme 2023. Collection method: clinical testing. Allele origin: germline.
Comment: The c.652-2A>C intronic variant results from an A to C substitution two nucleotides upstream from coding exon 8 in the LZTR1 gene. This nucleotide position is highly conserved in available vertebrate species. In silico splice site analysis predicts that this alteration will weaken the native splice acceptor site. Alterations that disrupt the canonical splice site are expected to cause aberrant splicing, resulting in an abnormal protein or a transcript that is subject to nonsense-mediated mRNA decay. Loss-of-function variants in LZTR1 are related to an increased risk for schwannomas and autosomal recessive Noonan syndrome; however, such associations with autosomal dominant Noonan syndrome have not been observed (Piotrowski A et al. Nat Genet. 2014 Feb;46:182-7; Yamamoto GL et al. J Med Genet. 2015 Jun;52:413-21; Johnston JJ et al. Genet Med. 2018 10;20:1175-1185). Based on the supporting evidence, this variant is likely pathogenic for an increased risk of LZTR1-related schwannomatosis (SWN) and would be expected to cause autosomal recessive Noonan syndrome when present along with a second pathogenic or likely pathogenic variant on the other allele; however, the association of this alteration with autosomal dominant Noonan syndrome is unlikely.

Dr. Peter K. Rogan Lab, Western University
No classification provided (evidence only). Condition: Ovarian serous cystadenocarcinoma. Review status: no classification provided. Collection method: in vitro. Allele origin: not applicable. Functional consequence: retained intron. Not counted in ClinVar's aggregate classification.

MutSpliceDB: a database of splice sites variants effects on splicing, NIH
No classification provided (evidence only). Review status: no classification provided. Collection method: in vivo. Allele origin: not applicable. Functional consequence: retained intron. Not counted in ClinVar's aggregate classification.

Literature cited by the submitters: PubMed 16199547 (cited by Labcorp Genetics (formerly Invitae), Labcorp); PubMed 24362817 (cited by Labcorp Genetics (formerly Invitae), Labcorp); PubMed 25335493 (cited by Labcorp Genetics (formerly Invitae), Labcorp); PubMed 25480913 (cited by Labcorp Genetics (formerly Invitae), Labcorp); PubMed 25795793 (cited by Labcorp Genetics (formerly Invitae), Labcorp); PubMed 29469822 (cited by Labcorp Genetics (formerly Invitae), Labcorp); PubMed 30368668 (cited by Labcorp Genetics (formerly Invitae), Labcorp); PubMed 30442762 (cited by Labcorp Genetics (formerly Invitae), Labcorp); PubMed 30442766 (cited by Labcorp Genetics (formerly Invitae), Labcorp); PubMed 30481304 (cited by Labcorp Genetics (formerly Invitae), Labcorp); PubMed 30859559 (cited by Labcorp Genetics (formerly Invitae), Labcorp).

NM_006767.4(LZTR1):c.652-2A>C

Gene: LZTR1 (leucine zipper like post translational regulator 1; plus strand). Cytogenetic location: 22q11.21.
Variant type: single nucleotide variant.
Coding change: c.652-2A>C on transcript NM_006767.4 (MANE Select); the canonical splice acceptor site of the intron before coding-DNA position 652, A replaced by C.
Molecular consequence: splice acceptor variant.
Genome position (GRCh38, 1-based): chr22:20,990,384, A>C. VCF-style: chr22-20990384-A-C. GRCh37 (hg19) VCF-style: chr22-21344673-A-C.
Other names: NM_006767.4:c.652-2A>C.
Identifiers: ClinVar variation 1754034 (VCV001754034.13), dbSNP rs746294125, ClinGen allele CA410780402.